The following is an entry in ClinVar:

ClinVar aggregate classification (germline): Likely benign (0 of 4 stars; one submission).

Conditions:
CDK10-related disorder. Also called: CDK10-related condition.

Allele frequency attached by ClinVar (database versions not stated): gnomAD 0.00003; ExAC 0.00020; 1000 Genomes Project 30x 0.00016; 1000 Genomes Project 0.00020; TOPMed 0.00009.
gnomAD v4.1: 57 of 1,613,226 alleles (0.0035%); highest among the groups gnomAD compares: East Asian, 0.074%; no homozygotes.

Submissions (2):

PreventionGenetics, part of Exact Sciences
Classification: Likely benign for CDK10-related condition. Last evaluated: 2022-03-15. Review status: no assertion criteria provided. Collection method: clinical testing. Allele origin: germline.
Comment: This variant is classified as likely benign based on ACMG/AMP sequence variant interpretation guidelines (Richards et al. 2015 PMID: 25741868, with internal and published modifications).

Dr. Peter K. Rogan Lab, Western University
No classification provided (evidence only). Condition: Malignant tumor of urinary bladder. Review status: no classification provided. Collection method: in vitro. Allele origin: not applicable. Functional consequence: retained intron. Not counted in ClinVar's aggregate classification.

NM_052988.5(CDK10):c.417+5G>A

Gene: CDK10 (cyclin dependent kinase 10; plus strand). Cytogenetic location: 16q24.3.
Variant type: single nucleotide variant.
Coding change: c.417+5G>A on transcript NM_052988.5 (MANE Select); 5 bases into the intron after coding-DNA position 417, G replaced by A.
Molecular consequence: intron variant.
Genome position (GRCh38, 1-based): chr16:89,691,892, G>A. VCF-style: chr16-89691892-G-A. GRCh37 (hg19) VCF-style: chr16-89758300-G-A.
Other names: NC_000016.9:g.89758300G>A; c.204+5G>A (NM_001160367.2, NM_052987.4, NM_001098533.3).
Identifiers: ClinVar variation 3057753 (VCV003057753.3), dbSNP rs557111317, ClinGen allele CA8247861.